The following is an entry in ClinVar:

NM_000448.3(RAG1):c.1950C>A (p.Asn650Lys)

Gene: RAG1 (recombination activating 1; plus strand). Cytogenetic location: 11p12.
Variant type: single nucleotide variant.
Coding change: c.1950C>A on transcript NM_000448.3 (MANE Select); coding-DNA position 1950, C replaced by A.
Protein change: p.Asn650Lys; replaces asparagine 650 with lysine.
Molecular consequence: missense variant.
Genome position (GRCh38, 1-based): chr11:36,575,254, C>A. VCF-style: chr11-36575254-C-A. GRCh37 (hg19) VCF-style: chr11-36596804-C-A.
Other names: c.1950C>A, p.Asn650Lys (NM_001377277.1, NM_001377278.1, NM_001377279.1 and 3 more transcripts); short protein forms N650K.
Identifiers: ClinVar variation 4526013 (VCV004526013.1).

ClinVar aggregate classification (germline): Uncertain significance (1 of 4 stars; one submission).

Submission:

Women's Health and Genetics/Laboratory Corporation of America, LabCorp
Classification: Uncertain significance. Last evaluated: 2025-07-09. Review status: criteria provided, single submitter. Criteria: LabCorp Variant Classification Summary - May 2015. Collection method: clinical testing. Allele origin: germline.
Comment: Variant summary: RAG1 c.1950C>A (p.Asn650Lys) results in a non-conservative amino acid change in the encoded protein sequence. Algorithms developed to predict the effect of missense changes on protein structure and function all suggest that this variant is likely to be disruptive. The variant was absent in 251246 control chromosomes (gnomAD). The available data on variant occurrences in the general population are insufficient to allow any conclusion about variant significance. c.1950C>A has been observed in one individual affected with RAG-Dependent Primary Immunodeficiencies (Sobacchi_2006). These data do not allow any conclusion about variant significance. To our knowledge, no experimental evidence demonstrating an impact on protein function has been reported. The following publication have been ascertained in the context of this evaluation (PMID: 16960852). No submitters have cited clinical-significance assessments for this variant to ClinVar. Based on the evidence outlined above, the variant was classified as uncertain significance.

Literature cited by the submitters: PubMed 16960852.